The following is an entry in ClinVar:

ClinVar aggregate classification (germline): Likely pathogenic (1 of 4 stars; one submission).

Allele frequency attached by ClinVar (database versions not stated): TOPMed 0.00002; gnomAD 0.00003; gnomAD exomes 0.00001.
gnomAD v4.1: 14 of 1,614,036 alleles (0.00087%); highest among the groups gnomAD compares: Admixed American, 0.0033%; no homozygotes.

Submission:

GeneDx
Classification: Likely pathogenic. Last evaluated: 2026-04-14. Review status: criteria provided, single submitter. Criteria: GeneDx Variant Classification Process June 2021. Collection method: clinical testing. Allele origin: germline.
Comment: Nonsense variant predicted to result in protein truncation or nonsense mediated decay in a gene for which loss of function is a known mechanism of disease; Not observed at significant frequency in large population cohorts (gnomAD); Has not been previously published as pathogenic or benign to our knowledge

NM_005763.4(AASS):c.2428C>T (p.Gln810Ter)

Gene: AASS (aminoadipate-semialdehyde synthase; minus strand). Cytogenetic location: 7q31.32.
Variant type: single nucleotide variant.
Coding change: c.2428C>T on transcript NM_005763.4 (MANE Select); coding-DNA position 2428, C replaced by T.
Protein change: p.Gln810Ter; replaces glutamine 810 with a stop codon.
Molecular consequence: nonsense.
Genome position (GRCh38, 1-based): chr7:122,078,919, G>A on the plus strand (C>T on the coding strand, the complement: AASS is on the minus strand). VCF-style: chr7-122078919-G-A. GRCh37 (hg19) VCF-style: chr7-121718973-G-A.
Other names: short protein forms Q810*.
Identifiers: ClinVar variation 2663547 (VCV002663547.2), dbSNP rs1027015345, ClinGen allele CA165949865.